The following is an entry in ClinVar:

ClinVar aggregate classification (germline): Uncertain significance (1 of 4 stars; one submission).

Conditions:
Inborn genetic diseases. Identifiers: MedGen C0950123, MeSH D030342.

gnomAD v4.1: 1 of 1,595,430 alleles (0.000063%); highest among the groups gnomAD compares: Non-Finnish European, 0.000086%; no homozygotes.

Submission:

Ambry Genetics
Classification: Uncertain significance for Inborn genetic diseases. Last evaluated: 2025-03-10. Review status: criteria provided, single submitter. Criteria: Ambry Variant Classification Scheme 2023. Collection method: clinical testing. Allele origin: germline.
Comment: The p.S1540P variant (also known as c.4618T>C), located in coding exon 18 of the FANCM gene, results from a T to C substitution at nucleotide position 4618. The serine at codon 1540 is replaced by proline, an amino acid with similar properties. This amino acid position is conserved. In addition, this alteration is predicted to be tolerated by in silico analysis. Based on the available evidence, the clinical significance of this variant remains unclear.

NM_020937.4(FANCM):c.4618T>C (p.Ser1540Pro)

Gene: FANCM (FA complementation group M; plus strand). Cytogenetic location: 14q21.2.
Variant type: single nucleotide variant.
Coding change: c.4618T>C on transcript NM_020937.4 (MANE Select); coding-DNA position 4618, T replaced by C.
Protein change: p.Ser1540Pro; replaces serine 1540 with proline.
Molecular consequence: missense variant.
Genome position (GRCh38, 1-based): chr14:45,185,319, T>C. VCF-style: chr14-45185319-T-C. GRCh37 (hg19) VCF-style: chr14-45654522-T-C.
Other names: c.4540T>C, p.Ser1514Pro (NM_001308133.2); short protein forms S1514P, S1540P.
Identifiers: ClinVar variation 3848812 (VCV003848812.1).